The following is an entry in ClinVar:

ClinVar aggregate classification (germline): Uncertain significance (1 of 4 stars; one submission).

Conditions:
Neurodevelopmental disorder with poor language and loss of hand skills. Identifiers: MedGen C4693546, MONDO:0060659, OMIM 617903.

Submission:

Laboratorio de Genetica e Diagnostico Molecular, Hospital Israelita Albert Einstein
Classification: Uncertain significance for Neurodevelopmental disorder with poor language and loss of hand skills. Last evaluated: 2023-01-29. Review status: criteria provided, single submitter. Criteria: ACMG Guidelines, 2015. Collection method: clinical testing. Allele origin: germline. Affected: yes. Observed: 1 variant allele.
Comment: ACMG classification criteria: PM2 moderated, PP2 supporting

NM_005458.8(GABBR2):c.932T>C (p.Met311Thr)

Gene: GABBR2 (gamma-aminobutyric acid type B receptor subunit 2; minus strand). Cytogenetic location: 9q22.33.
Variant type: single nucleotide variant.
Coding change: c.932T>C on transcript NM_005458.8 (MANE Select); coding-DNA position 932, T replaced by C.
Protein change: p.Met311Thr; replaces methionine 311 with threonine.
Molecular consequence: missense variant.
Genome position (GRCh38, 1-based): chr9:98,473,213, A>G on the plus strand (T>C on the coding strand, the complement: GABBR2 is on the minus strand). VCF-style: chr9-98473213-A-G. GRCh37 (hg19) VCF-style: chr9-101235495-A-G.
Other names: short protein forms M311T.
Identifiers: ClinVar variation 2431951 (VCV002431951.1), dbSNP rs2491670210, ClinGen allele CA374351381.